The following is an entry in ClinVar:

ClinVar aggregate classification (germline): Uncertain significance (1 of 4 stars; one submission).

Conditions:
Gorlin syndrome. Also called: Nevoid Basal Cell Carcinoma Syndrome; Basal cell nevus syndrome. Identifiers: Orphanet 377, MedGen C0004779, MONDO:0007187.

Submission:

MGZ Medical Genetics Center
Classification: Uncertain significance for Basal cell nevus syndrome 1. Last evaluated: 2021-10-01. Review status: criteria provided, single submitter. Criteria: ACMG Guidelines, 2015. Collection method: clinical testing. Allele origin: germline. Affected: yes. Observed: 1 variant allele.
Comment: ACMG criteria applied: PM4, PM2_SUP

NM_000264.5(PTCH1):c.1652_1660del (p.Thr551_Ile553del)

Gene: PTCH1 (patched 1; minus strand). Cytogenetic location: 9q22.32.
Variant type: Deletion.
Coding change: c.1652_1660del on transcript NM_000264.5 (MANE Select); coding-DNA positions 1652 to 1660, 9 bases deleted (CGTCCATCA; older notation c.1652_1660delCGTCCATCA).
Protein change: p.Thr551_Ile553del.
Molecular consequence: inframe deletion. On other transcripts: non-coding transcript variant (1).
Genome position (GRCh38, 1-based): chr9:95,476,102-95,476,110, TGATGGACG deleted on the plus strand (CGTCCATCA on the coding strand, the reverse complement: PTCH1 is on the minus strand); deleting any 9 consecutive bases within chr9:95,476,102-95,476,113 gives the same sequence; the c. name uses the placement nearest the transcript's 3' end. VCF-style (leftmost placement, unchanged base first): chr9-95476101-CTGATGGACG-C. GRCh37 (hg19) VCF-style: chr9-98238383-CTGATGGACG-C.
Other names: c.1454_1462del, p.Thr485_Ile487del (NM_001083602.3); c.1649_1657del, p.Thr550_Ile552del (NM_001083603.3); c.1199_1207del, p.Thr400_Ile402del (NM_001083604.3, NM_001083605.3, NM_001083606.3 and 1 more transcripts); c.1496_1504del, p.Thr499_Ile501del (NM_001354918.2).
Identifiers: ClinVar variation 1710037 (VCV001710037.2), dbSNP rs2538192957, ClinGen allele CA2580080893.
Genomic context (GRCh38, chr9:95,476,101, plus strand): 5'-GAGAACGCCCGCAGAGCGGGAATTGGGATTAACGCGGCCATGAAGAAGGCTGTGACATTG[CTGATGGACG>C]TGAGGGCCACGCTGGCTCCTGTGCGCTTCAGGCACTCCCCGGTCCTGTCCTGGGAATAAA-3'